The following is an entry in ClinVar:

ClinVar aggregate classification (germline): Uncertain significance (1 of 4 stars; one submission).

gnomAD v4.1: 1 of 1,614,160 alleles (0.000062%); highest among the groups gnomAD compares: South Asian, 0.0011%; no homozygotes.

Submission:

Ambry Genetics
Classification: Uncertain significance. Last evaluated: 2021-09-12. Review status: criteria provided, single submitter. Criteria: Ambry Variant Classification Scheme 2023. Collection method: clinical testing. Allele origin: germline.
Comment: The p.L2133F variant (also known as c.6397C>T), located in coding exon 12 of the ALPK2 gene, results from a C to T substitution at nucleotide position 6397. The leucine at codon 2133 is replaced by phenylalanine, an amino acid with highly similar properties. This amino acid position is conserved. In addition, this alteration is predicted to be tolerated by in silico analysis. Since supporting evidence is limited at this time, the clinical significance of this alteration remains unclear.

NM_052947.4(ALPK2):c.6397C>T (p.Leu2133Phe)

Gene: ALPK2 (alpha kinase 2; minus strand). Cytogenetic location: 18q21.31.
Variant type: single nucleotide variant.
Coding change: c.6397C>T on transcript NM_052947.4 (MANE Select); coding-DNA position 6397, C replaced by T.
Protein change: p.Leu2133Phe; replaces leucine 2133 with phenylalanine.
Molecular consequence: missense variant.
Genome position (GRCh38, 1-based): chr18:58,481,939, G>A on the plus strand (C>T on the coding strand, the complement: ALPK2 is on the minus strand). VCF-style: chr18-58481939-G-A. GRCh37 (hg19) VCF-style: chr18-56149171-G-A.
Other names: short protein forms L2133F.
Identifiers: ClinVar variation 1753257 (VCV001753257.2), dbSNP rs1406302807, ClinGen allele CA402538580.